The following is an entry in ClinVar:

NC_000005.9:g.(?_68800072)_(68809956_?)del

Gene: OCLN (occludin; plus strand). Cytogenetic location: 5q13.2.
Variant type: Deletion.
Identifiers: ClinVar variation 3246503 (VCV003246503.1).

ClinVar aggregate classification (germline): Pathogenic (1 of 4 stars; one submission).

Submission:

Labcorp Genetics (formerly Invitae), Labcorp
Classification: Pathogenic. Last evaluated: 2023-07-10. Review status: criteria provided, single submitter. Criteria: Invitae Variant Classification Sherloc (09022015). Collection method: clinical testing. Allele origin: unknown.
Comment: This variant is a gross deletion of the genomic region encompassing exon(s) 2-4 of the OCLN gene, which includes the initiator codon. This deletion extends beyond the assayed region for this gene and therefore may encompass additional genes. It is expected to result in an absent or disrupted protein product. Loss-of-function variants in OCLN are known to be pathogenic (PMID: 20727516, 28179633). This variant has not been reported in the literature in individuals affected with OCLN-related conditions. For these reasons, this variant has been classified as Pathogenic.

Literature cited by the submitters: PubMed 20727516; PubMed 28179633.